The following is an entry in ClinVar:

ClinVar aggregate classification (germline): Uncertain significance (1 of 4 stars; one submission).

Conditions:
Cardiovascular phenotype. Identifiers: MedGen CN230736.

Submission:

Ambry Genetics
Classification: Uncertain significance for Cardiovascular phenotype. Last evaluated: 2022-04-08. Review status: criteria provided, single submitter. Criteria: Ambry Variant Classification Scheme 2023. Collection method: clinical testing. Allele origin: germline.
Comment: The c.12178_12180delCTGinsTTT variant (also known as p.L4060F), located in coding exon 20 of the ALMS1 gene, results from an in-frame deletion of CTG and insertion of TTT at nucleotide positions 12178 to 12180. This results in the substitution of the leucine residue for a phenylalanine residue at codon 4060, an amino acid with highly similar properties. This amino acid position is highly conserved in available vertebrate species. In addition, the in silico prediction for this alteration is inconclusive (Choi Y et al. PLoS ONE. 2012; 7(10):e46688). Since supporting evidence is limited at this time, the clinical significance of this alteration remains unclear.

NM_001378454.1(ALMS1):c.12175_12177delinsTTT (p.Leu4059Phe)

Genes: ALMS1 (ALMS1 centrosome and basal body associated protein; plus strand), LOC126806252 (BRD4-independent group 4 enhancer GRCh37_chr2:73828496-73829695; plus strand). Cytogenetic location: 2p13.1.
Variant type: Indel.
Coding change: c.12175_12177delinsTTT on transcript NM_001378454.1 (MANE Select); coding-DNA positions 12175 to 12177, CTG replaced by TTT.
Protein change: p.Leu4059Phe; replaces leucine 4059 with phenylalanine.
Molecular consequence: missense variant.
Genome position (GRCh38, 1-based): chr2:73,602,245-73,602,247, CTG replaced by TTT. VCF-style: chr2-73602245-CTG-TTT. GRCh37 (hg19) VCF-style: chr2-73829372-CTG-TTT.
Other names: c.12178_12180delinsTTT, p.Leu4060Phe (NM_015120.4); c.12178_12180delCTGinsTTT (NM_015120.4); short protein forms L4059F, L4060F.
Identifiers: ClinVar variation 1751874 (VCV001751874.2), dbSNP rs2466526326, ClinGen allele CA2580068195.